The following is an entry in ClinVar:

ClinVar aggregate classification (germline): Benign. Review status: criteria provided, single submitter (1 of 4 stars). 2 submissions from 2 submitters: Benign (1). 1 of the submissions does not count toward it. Last evaluated 2022-09-06.

Conditions:
ALPI-related disorder. Also called: ALPI-related condition.

Allele frequency attached by ClinVar (database versions not stated): ESP Exome Variant Server 0.09311; ExAC 0.09457; gnomAD 0.09604; 1000 Genomes Project 0.09784; gnomAD exomes 0.08957; 1000 Genomes Project 30x 0.10025; TOPMed 0.09479.
gnomAD v4.1: 146,017 of 1,614,016 alleles (9%); highest among the groups gnomAD compares: Middle Eastern, 13%; 6,893 homozygotes.

Submissions (2):

Mayo Clinic Laboratories, Mayo Clinic
Classification: Benign. Last evaluated: 2022-09-06. Review status: criteria provided, single submitter. Criteria: ACMG Guidelines, 2015. Collection method: clinical testing. Allele origin: germline. Observed: 83 variant alleles.

PreventionGenetics, part of Exact Sciences
Classification: Benign for ALPI-related condition. Last evaluated: 2019-11-20. Review status: no assertion criteria provided. Collection method: clinical testing. Allele origin: germline. Not counted in ClinVar's aggregate classification.
Comment: This variant is classified as benign based on ACMG/AMP sequence variant interpretation guidelines (Richards et al. 2015 PMID: 25741868, with internal and published modifications).

NM_001631.5(ALPI):c.1023T>C (p.Gly341=)

Gene: ALPI (alkaline phosphatase, intestinal; plus strand). Cytogenetic location: 2q37.1.
Variant type: single nucleotide variant.
Coding change: c.1023T>C on transcript NM_001631.5 (MANE Select); coding-DNA position 1023, T replaced by C.
Protein change: p.Gly341=; no amino-acid change (glycine 341 retained).
Molecular consequence: synonymous variant.
Genome position (GRCh38, 1-based): chr2:232,458,248, T>C. VCF-style: chr2-232458248-T-C. GRCh37 (hg19) VCF-style: chr2-233322958-T-C.
Other names: p.Gly341=.
Identifiers: ClinVar variation 3056637 (VCV003056637.3), dbSNP rs41265121, ClinGen allele CA2166633.
Genomic context (GRCh38, chr2:232,458,248, plus strand): 5'-AGCATCACCCCCCTCTGGCCTTCCTGCAGGCGGCCGCATCGACCATGGTCATCATGAGGG[T>C]GTGGCTTACCAGGCACTCACTGAGGCGGTCATGTTCGACGACGCCATTGAGAGGGCGGGC-3'
Protein context (NP_001622.2, residues 331-351): GGRIDHGHHE[Gly341=]VAYQALTEAV